The following is an entry in ClinVar:

ClinVar aggregate classification (germline): Pathogenic/Likely pathogenic. Review status: criteria provided, multiple submitters, no conflicts (2 of 4 stars). 7 submissions from 7 submitters: Pathogenic (1); Likely pathogenic (3). 3 of the submissions do not count toward it. Last evaluated 2025-09-25.

Conditions:
Alpha-1-antitrypsin deficiency (A1ATD). Also called: AAT deficiency; A1AT deficiency; Alpha1-Antitrypsin Deficiency. Identifiers: Orphanet 60, MedGen C0221757, MONDO:0013282, OMIM 613490.
PI NULL(WEST). Also called: PI Q0(WEST).

Allele frequency attached by ClinVar (database versions not stated): gnomAD exomes below 0.00001; ExAC 0.00001; gnomAD 0.00001; TOPMed 0.00002.

Submissions (8):

GeneDx
Classification: Likely pathogenic. Last evaluated: 2025-09-25. Review status: criteria provided, single submitter. Criteria: GeneDx Variant Classification Process June 2021. Collection method: clinical testing. Allele origin: germline. Affected: yes.
Comment: Reported as a single heterozygous finding in a proband with emphysema, asthma, bronchitis and a history of smoking (PMID: 8364536); Canonical splice site variant predicted to result in a null allele in a gene for which loss of function is a known mechanism of disease; Not observed at significant frequency in large population cohorts (gnomAD); This variant is associated with the following publications: (PMID: 25525159, 8364536, 36451132, 29625052, 37277845)

Labcorp Genetics (formerly Invitae), Labcorp
Classification: Pathogenic for Alpha-1-antitrypsin deficiency. Last evaluated: 2025-06-22. Review status: criteria provided, single submitter. Criteria: Invitae Variant Classification Sherloc (09022015). Collection method: clinical testing. Allele origin: germline.
Comment: This sequence change affects a donor splice site in intron 2 of the SERPINA1 gene. It is expected to disrupt RNA splicing. Variants that disrupt the donor or acceptor splice site typically lead to a loss of protein function (PMID: 16199547), and loss-of-function variants in SERPINA1 are known to be pathogenic (PMID: 25425243). This variant is present in population databases (rs751235320, gnomAD 0.0009%). This variant has not been reported in the literature in individuals affected with SERPINA1-related conditions. ClinVar contains an entry for this variant (Variation ID: 189064). Studies have shown that disruption of this splice site alters SERPINA1 gene expression (PMID: 8364536). Algorithms developed to predict the effect of sequence changes on RNA splicing suggest that this variant may disrupt the consensus splice site. For these reasons, this variant has been classified as Pathogenic.

Baylor Genetics
Classification: Likely pathogenic for Alpha-1-antitrypsin deficiency. Last evaluated: 2023-07-19. Review status: criteria provided, single submitter. Criteria: ACMG Guidelines, 2015. Collection method: clinical testing. Allele origin: unknown.

Eurofins Ntd Llc (ga)
Classification: Likely pathogenic. Last evaluated: 2017-02-21. Review status: criteria provided, single submitter. Criteria: EGL Classification Definitions 2015. Collection method: clinical testing. Allele origin: germline. Observed: 1 variant allele, 1 heterozygote.

OMIM
Classification: other for PI NULL(WEST). Last evaluated: 2016-07-15. Review status: no assertion criteria provided. Collection method: literature only. Allele origin: germline. Not counted in ClinVar's aggregate classification.

Department of Laboratory Medicine and Genetics, Trillium Health Partners Credit Valley Hospital
Classification: Pathogenic for Alpha-1-antitrypsin deficiency. Last evaluated: 2014-12-08. Review status: no assertion criteria provided. Collection method: curation. Allele origin: germline. Affected: yes. Not counted in ClinVar's aggregate classification.

Counsyl
Classification: Likely pathogenic for Alpha-1-antitrypsin deficiency. Last evaluated: 2014-11-14. Review status: no assertion criteria provided. Collection method: literature only. Allele origin: unknown. Inheritance: Autosomal recessive inheritance. Not counted in ClinVar's aggregate classification.

Dr. Peter K. Rogan Lab, Western University
No classification provided (evidence only). Condition: Hepatocellular carcinoma. Review status: no classification provided. Collection method: in vitro. Allele origin: not applicable. Functional consequence: skipped exon, retained intron. Not counted in ClinVar's aggregate classification.

Literature cited by the submitters: PubMed 16199547 (cited by Labcorp Genetics (formerly Invitae), Labcorp); PubMed 25425243 (cited by Labcorp Genetics (formerly Invitae), Labcorp); PubMed 8364536 (cited by 3 submitters).

NM_000295.5(SERPINA1):c.646+1G>T

Gene: SERPINA1 (serpin family A member 1; minus strand). Cytogenetic location: 14q32.13.
Variant type: single nucleotide variant.
Coding change: c.646+1G>T on transcript NM_000295.5 (MANE Select); the canonical splice donor site of the intron after coding-DNA position 646, G replaced by T.
Molecular consequence: splice donor variant.
Genome position (GRCh38, 1-based): chr14:94,382,591, C>A on the plus strand (G>T on the coding strand, the complement: SERPINA1 is on the minus strand). VCF-style: chr14-94382591-C-A. GRCh37 (hg19) VCF-style: chr14-94848928-C-A.
Other names: PI NULL(WEST); PI Q0(WEST); IVS2DS, G-T, +1; c.646+1G>T (NM_001002235.3, NM_001127707.2, NM_001127706.2 and 7 more transcripts).
Identifiers: ClinVar variation 189064 (VCV000189064.21), dbSNP rs751235320, ClinGen allele CA274333.
Genomic context (GRCh38, chr14:94,382,591, plus strand): 5'-GGTTTGAGAATATTTTTGCTTGTTTCTATGGGAACAGCTCAGGCTGGTTGAGCAACCTTA[C>A]CTTTAAAGAAGATGTAATTCACCAGAGCAAAAACTGTGTCTCTGTCAAGCTCCTTGACCA-3'